The following is an entry in ClinVar:

NM_000518.5(HBB):c.2T>C (p.Met1Thr)

Genes: HBB (hemoglobin subunit beta; minus strand), LOC106099062 (HBB recombination region; plus strand), LOC107133510 (origin of replication at HBB; plus strand). Cytogenetic location: 11p15.4.
Variant type: single nucleotide variant.
Coding change: c.2T>C on transcript NM_000518.5 (MANE Select); coding-DNA position 2, T replaced by C.
Protein change: p.Met1Thr; changes the start codon (methionine 1).
Molecular consequence: missense variant, initiator codon variant.
Genome position (GRCh38, 1-based): chr11:5,227,020, A>G on the plus strand (T>C on the coding strand, the complement: HBB is on the minus strand). VCF-style: chr11-5227020-A-G. GRCh37 (hg19) VCF-style: chr11-5248250-A-G.
Other names: Init CD ATG>ACG; short protein forms M1T.
Identifiers: ClinVar variation 36310 (VCV000036310.39), dbSNP rs33941849, ClinGen allele CA125301.
Genomic context (GRCh38, chr11:5,227,020, plus strand): 5'-ACGTTCACCTTGCCCCACAGGGCAGTAACGGCAGACTTCTCCTCAGGAGTCAGATGCACC[A>G]TGGTGTCTGTTTGAGGTTGCTAGTGAACACAGTTGTGTCAGAAGCAAATGTAAGCAATAG-3'
Protein context (NP_000509.1, residues 1-11): [Met1Thr]VHLTPEEKSA

ClinVar aggregate classification (germline): Pathogenic. Review status: criteria provided, multiple submitters, no conflicts (2 of 4 stars). 11 submissions from 10 submitters: Pathogenic (6). 5 of the submissions do not count toward it. Last evaluated 2025-08-04.

Conditions:
Hb SS disease (SCD). Also called: Hemoglobin SS; Sickle cell anemia; Sickle cell disease; HbS disease; Hemoglobin S Disease; Sickling disorder due to hemoglobin S. Identifiers: Orphanet 232, Orphanet 275752, MedGen C0002895, MONDO:0011382, OMIM 603903.
Heinz body anemia. Also called: Heinz body hemolytic anemia. Identifiers: Orphanet 178330, MedGen C0700299, MONDO:0007705, OMIM 140700, HP:0005511.
Dominant beta-thalassemia. Also called: Beta-thalassemia, dominant inclusion body type. Identifiers: Orphanet 231226, Orphanet 848, MedGen C1858990, MONDO:0011381, OMIM 603902.
Beta-thalassemia HBB/LCRB. Identifiers: MedGen CN322236, MONDO:0013517, OMIM 613985.
Erythrocytosis, familial, 6. Also called: POLYCYTHEMIA, BETA-GLOBIN TYPE; ERYTHROCYTOSIS, BETA-GLOBIN TYPE. Identifiers: MedGen C4693822, MONDO:0054801, OMIM 617980.
METHEMOGLOBINEMIA, BETA TYPE. Also called: Methemoglobinemia, beta-globin type. Identifiers: MedGen C1840779, OMIM 617971.
Malaria, susceptibility to. Identifiers: Orphanet 673, MedGen C1970028, MONDO:0021024, OMIM 611162.
Hereditary persistence of fetal hemoglobin. Identifiers: MedGen C0019025, MONDO:0020989, OMIM 141749.
Beta zero thalassemia. Identifiers: MedGen C0271980.
BETA-THALASSEMIA, LERMONTOV TYPE. Identifiers: MedGen C4017528.
beta Thalassemia (BTHAL). Also called: Cooley's anemia; Erythroblastic anemia; Mediterranean anemia. Identifiers: Orphanet 848, MedGen C0005283, MONDO:0019402. Disease mechanism: loss of function.

Submissions (11):

Natera, Inc.
Classification: Pathogenic for Beta thalassemia. Last evaluated: 2025-08-04. Review status: criteria provided, single submitter. Criteria: Natera Variant Classification Schema (03/2026). Collection method: clinical testing. Allele origin: germline.
Comment: The c.2T>C variant in HBB is predicted to result in start loss due to disruption of the initiator methionine. This variant is expected to result in nonsense mediated decay, truncation, or a dysfunctional protein product. This variant is rare in the general population with a frequency below the threshold expected for the associated phenotype(s). This variant has been observed in one or more individuals affected with the associated recessive disease, as either homozygous or compound heterozygous with a second variant (PMID: 15477200). Given the available evidence, this variant is classified as Pathogenic.

ARUP Laboratories, Molecular Genetics and Genomics, ARUP Laboratories
Classification: Pathogenic. Last evaluated: 2025-07-23. Review status: criteria provided, single submitter. Criteria: ARUP Molecular Germline Variant Investigation Process 2024. Collection method: clinical testing. Allele origin: germline.
Comment: The HBB c.2T>C; p.Met1? variant (also known as Initiation codon ATG>ACG; rs33941849, HbVar ID: 776) is reported in the literature in individuals affected with beta-thalassemia or beta-thalassemia trait (Jankovic 1990, Molchanova 1998, Muniz 2000, Najmabadi 2002, HbVar database). This variant is absent from the Genome Aggregation Database, indicating it is not a common polymorphism. This variant disrupts the canonical translation initiation codon and is predicted to result in an aberrant or absent protein. Taken together, this variant is considered pathogenic. References: Link to HbVar database: Jankovic L et al. An initiation codon mutation as a cause of a beta-thalassemia. Hemoglobin. 1990;14(2):169-76. PMID: 2272840. Molchanova TP et al. Historical note: the beta-thalassemia allele in the noble Russian family Lermontov is identified as the ATG-->ACG change in the initiation codon. Hemoglobin. 1998;22(3):283-286. PMID: 9629504. Muniz A et al. Beta-thalassaemia in Cubans: novel allele increases the genetic diversity at the HBB locus in the Caribbean. Am J Hematol. 2000;64(1):7-14. PMID: 10815781. Najmabadi H et al. Rare and unexpected mutations among Iranian beta-thalassemia patients and prenatal samples discovered by reverse-hybridization and DNA sequencing. Haematologica. 2002;87(10):1113-1114. PMID: 12368169.

Fulgent Genetics
Classification: Pathogenic for Heinz body anemia; Hereditary persistence of fetal hemoglobin; Dominant beta-thalassemia; Hb SS disease; Malaria, susceptibility to; Beta-thalassemia HBB/LCRB; METHEMOGLOBINEMIA, BETA TYPE; Erythrocytosis, familial, 6. Last evaluated: 2024-03-27. Review status: criteria provided, single submitter. Criteria: ACMG Guidelines, 2015. Collection method: clinical testing. Allele origin: germline.

Quest Diagnostics Nichols Institute San Juan Capistrano
Classification: Pathogenic. Last evaluated: 2022-07-20. Review status: criteria provided, single submitter. Criteria: Quest Diagnostics criteria. Collection method: clinical testing. Allele origin: unknown.
Comment: The HBB c.2T>C (p.Met1Thr) variant (also known as Initiation Codon T>C) disrupts in the translation initiation codon of the HBB mRNA and is predicted to interfere with HBB protein synthesis. This variant has not been reported in large, multi-ethnic general populations. The variant is associated with beta-zero thalassemia (PMIDs: 25849334 (2015), 25806420 (2015), 12368169 (2002), 9101288 (1997)). Based on the available information, this variant is classified as pathogenic.

Labcorp Genetics (formerly Invitae), Labcorp
Classification: Pathogenic. Last evaluated: 2021-10-12. Review status: criteria provided, single submitter. Criteria: Invitae Variant Classification Sherloc (09022015). Collection method: clinical testing. Allele origin: germline.
Comment: This sequence change affects the initiator methionine of the HBB mRNA. The next in-frame methionine is located at codon 56. This variant is not present in population databases (ExAC no frequency). Disruption of the initiator codon has been observed in individual(s) with HBB-related conditions (PMID: 2272840, 9163586, 25849334, 29379553). For these reasons, this variant has been classified as Pathogenic. This variant disrupts a region of the HBB protein in which other variant(s) (p.Glu7Lys) have been determined to be pathogenic (PMID: 20301551, 23297836, 26372199, 27117572). This suggests that this is a clinically significant region of the protein, and that variants that disrupt it are likely to be disease-causing. ClinVar contains an entry for this variant (Variation ID: 36310). This variant is also known as CD1 (ATG-ACG).

Genetics and Molecular Pathology, SA Pathology
Classification: Pathogenic for Beta-thalassemia HBB/LCRB. Last evaluated: 2020-12-18. Review status: criteria provided, single submitter. Criteria: ACMG Guidelines, 2015. Collection method: clinical testing. Allele origin: germline. Inheritance: Autosomal recessive inheritance. Affected: yes.

The ITHANET community portal, The Cyprus Institute of Neurology and Genetics
Classification: Pathogenic for beta Thalassemia. Last evaluated: 2019-11-25. Review status: no assertion criteria provided. Collection method: curation. Allele origin: germline. Not counted in ClinVar's aggregate classification.

Women's Health and Genetics/Laboratory Corporation of America, LabCorp
Classification: Pathogenic for Beta Thalassemia. Last evaluated: 2015-04-21. Review status: no assertion criteria provided. Collection method: clinical testing. Allele origin: germline. Not counted in ClinVar's aggregate classification.

Counsyl
Classification: Likely pathogenic for beta Thalassemia. Last evaluated: 2014-09-04. Review status: no assertion criteria provided. Collection method: literature only. Allele origin: unknown. Inheritance: Autosomal recessive inheritance. Not counted in ClinVar's aggregate classification.

OMIM
Classification: Pathogenic for BETA-ZERO-THALASSEMIA. Last evaluated: 1998-05-01. Review status: no assertion criteria provided. Collection method: literature only. Allele origin: germline. Not counted in ClinVar's aggregate classification.

OMIM
Classification: Pathogenic for BETA-THALASSEMIA, LERMONTOV TYPE. Last evaluated: 1998-05-01. Review status: no assertion criteria provided. Collection method: literature only. Allele origin: germline. Not counted in ClinVar's aggregate classification.

Literature cited by the submitters: PubMed 15477200 (cited by Natera, Inc.); PubMed 2272840 (cited by 5 submitters); PubMed 8094943 (cited by 3 submitters); PubMed 9101288 (cited by Quest Diagnostics Nichols Institute San Juan Capistrano and Counsyl); PubMed 9629504 (cited by 3 submitters); PubMed 10815781 (cited by Quest Diagnostics Nichols Institute San Juan Capistrano and Counsyl); PubMed 12368169 (cited by Quest Diagnostics Nichols Institute San Juan Capistrano and Counsyl); PubMed 18294253 (cited by Quest Diagnostics Nichols Institute San Juan Capistrano and Counsyl); PubMed 19429541 (cited by Quest Diagnostics Nichols Institute San Juan Capistrano and Counsyl); PubMed 25016698 (cited by Quest Diagnostics Nichols Institute San Juan Capistrano); PubMed 25806420 (cited by Quest Diagnostics Nichols Institute San Juan Capistrano); PubMed 25849334 (cited by Quest Diagnostics Nichols Institute San Juan Capistrano and Labcorp Genetics (formerly Invitae), Labcorp); PubMed 9163586 (cited by Labcorp Genetics (formerly Invitae), Labcorp); PubMed 29379553 (cited by Labcorp Genetics (formerly Invitae), Labcorp); PubMed 20301551 (cited by Labcorp Genetics (formerly Invitae), Labcorp); PubMed 23297836 (cited by Labcorp Genetics (formerly Invitae), Labcorp); PubMed 26372199 (cited by Labcorp Genetics (formerly Invitae), Labcorp); PubMed 27117572 (cited by Labcorp Genetics (formerly Invitae), Labcorp); Jankovic, L., Efremov, G. D., Petkov, G., Kattamis, C., George, E., Yang, K.-G., Stoming, T. A., Huisman, T. H. J. Three novel mutations leading to beta-thalassemia. (Abstract) 31st Annual Meeting of the American Society of Hematology, Atlanta, December 1989. (cited by OMIM).